The following is an entry in ClinVar:

NM_015909.4(NBAS):c.5027+1G>A

Gene: NBAS (NBAS subunit of NRZ tethering complex; minus strand). Cytogenetic location: 2p24.3.
Variant type: single nucleotide variant.
Coding change: c.5027+1G>A on transcript NM_015909.4 (MANE Select); the canonical splice donor site of the intron after coding-DNA position 5027, G replaced by A.
Molecular consequence: splice donor variant.
Genome position (GRCh38, 1-based): chr2:15,292,536, C>T on the plus strand (G>A on the coding strand, the complement: NBAS is on the minus strand). VCF-style: chr2-15292536-C-T. GRCh37 (hg19) VCF-style: chr2-15432660-C-T.
Identifiers: ClinVar variation 4780538 (VCV004780538.1).

ClinVar aggregate classification (germline): Likely pathogenic (1 of 4 stars; one submission).

Submission:

Labcorp Genetics (formerly Invitae), Labcorp
Classification: Likely pathogenic. Last evaluated: 2025-12-20. Review status: criteria provided, single submitter. Criteria: Invitae Variant Classification Sherloc (09022015). Collection method: clinical testing. Allele origin: germline.
Comment: This sequence change affects a donor splice site in intron 41 of the NBAS gene. It is expected to disrupt RNA splicing. Variants that disrupt the donor or acceptor splice site typically lead to a loss of protein function (PMID: 16199547), and loss-of-function variants in NBAS are known to be pathogenic (PMID: 26073778, 26541327, 27789416, 28031453). This variant is not present in population databases (gnomAD no frequency). This variant has not been reported in the literature in individuals affected with NBAS-related conditions. Algorithms developed to predict the effect of sequence changes on RNA splicing suggest that this variant may disrupt the consensus splice site. In summary, the currently available evidence indicates that the variant is pathogenic, but additional data are needed to prove that conclusively. Therefore, this variant has been classified as Likely Pathogenic.

Literature cited by the submitters: PubMed 16199547; PubMed 26073778; PubMed 26541327; PubMed 27789416; PubMed 28031453.